The following is an entry in ClinVar:

ClinVar aggregate classification (germline): Uncertain significance. Review status: criteria provided, multiple submitters, no conflicts (2 of 4 stars). 2 submissions from 2 submitters: Uncertain significance (2). Last evaluated 2025-06-06.

Conditions:
Inborn genetic diseases. Identifiers: MedGen C0950123, MeSH D030342.
46,XY sex reversal 9 (SRXY9). Also called: 46,XY SEX REVERSAL, ZFPM2-RELATED. Identifiers: Orphanet 251510, MedGen C4015129, MONDO:0014480, OMIM 616067.

Allele frequency attached by ClinVar (database versions not stated): gnomAD exomes below 0.00001.

Submissions (2):

Ambry Genetics
Classification: Uncertain significance for Inborn genetic diseases. Last evaluated: 2025-06-06. Review status: criteria provided, single submitter. Criteria: Ambry Variant Classification Scheme 2023. Collection method: clinical testing. Allele origin: germline.

Labcorp Genetics (formerly Invitae), Labcorp
Classification: Uncertain significance for 46,XY sex reversal 9. Last evaluated: 2021-07-21. Review status: criteria provided, single submitter. Criteria: Invitae Variant Classification Sherloc (09022015). Collection method: clinical testing. Allele origin: germline.
Comment: This sequence change replaces glycine with arginine at codon 547 of the ZFPM2 protein (p.Gly547Arg). The glycine residue is highly conserved and there is a moderate physicochemical difference between glycine and arginine. In summary, the available evidence is currently insufficient to determine the role of this variant in disease. Therefore, it has been classified as a Variant of Uncertain Significance. Algorithms developed to predict the effect of missense changes on protein structure and function are either unavailable or do not agree on the potential impact of this missense change (SIFT: "Tolerated"; PolyPhen-2: "Probably Damaging"; Align-GVGD: "Class C0"). This variant has not been reported in the literature in individuals affected with ZFPM2-related conditions. This variant is not present in population databases (ExAC no frequency).

NM_012082.4(ZFPM2):c.1639G>A (p.Gly547Arg)

Genes: ZFPM2 (zinc finger protein, FOG family member 2; plus strand), ZFPM2-AS1 (ZFPM2 antisense RNA 1; minus strand). Cytogenetic location: 8q23.1.
Variant type: single nucleotide variant.
Coding change: c.1639G>A on transcript NM_012082.4 (MANE Select); coding-DNA position 1639, G replaced by A.
Protein change: p.Gly547Arg; replaces glycine 547 with arginine.
Molecular consequence: missense variant.
Genome position (GRCh38, 1-based): chr8:105,801,721, G>A. VCF-style: chr8-105801721-G-A. GRCh37 (hg19) VCF-style: chr8-106813949-G-A.
Other names: c.1480G>A, p.Gly494Arg (NM_001362836.2); c.1243G>A, p.Gly415Arg (NM_001362837.2); c.1639G>A (NM_012082.3); short protein forms G494R, G547R, G415R.
Identifiers: ClinVar variation 1416462 (VCV001416462.7), dbSNP rs1409008207, ClinGen allele CA371951481.